The following is an entry in ClinVar:

ClinVar aggregate classification (germline): Conflicting classifications of pathogenicity. Review status: criteria provided, conflicting classifications (1 of 4 stars). 6 submissions from 6 submitters: Uncertain significance (2); Likely benign (4). Last evaluated 2025-10-11.

Conditions:
Hereditary cancer-predisposing syndrome. Also called: Hereditary neoplastic syndrome; Neoplastic Syndromes, Hereditary; Tumor predisposition; Hereditary Cancer Syndrome. Identifiers: Orphanet 140162, MedGen C0027672, MeSH D009386, MONDO:0015356.
Tuberous sclerosis syndrome (TSC). Also called: Tuberous Sclerosis Complex; Tuberous sclerosis. Identifiers: Orphanet 805, MedGen C0041341, MONDO:0001734.
Tuberous sclerosis 2 (TSC2). Identifiers: Orphanet 805, MedGen C1860707, MONDO:0013199, OMIM 613254.

Allele frequency attached by ClinVar (database versions not stated): gnomAD exomes 0.00001 and 0.00003; ExAC 0.00003.
gnomAD v4.1: 9 of 1,597,580 alleles (0.00056%); highest among the groups gnomAD compares: Admixed American, 0.012%; no homozygotes.

Submissions (6):

Labcorp Genetics (formerly Invitae), Labcorp
Classification: Likely benign for Tuberous sclerosis 2. Last evaluated: 2025-10-11. Review status: criteria provided, single submitter. Criteria: Invitae Variant Classification Sherloc (09022015). Collection method: clinical testing. Allele origin: germline.

All of Us Research Program, National Institutes of Health
Classification: Uncertain significance for Tuberous sclerosis syndrome. Last evaluated: 2024-05-14. Review status: criteria provided, single submitter. Criteria: ACMG Guidelines, 2015. Collection method: clinical testing. Allele origin: germline. Inheritance: Autosomal dominant inheritance. Observed: 4 variant alleles, 4 heterozygotes.
Comment: This missense variant replaces leucine with phenylalanine at codon 663 of the TSC2 protein. Computational prediction is inconclusive regarding the impact of this variant on protein structure and function (internally defined REVEL score threshold 0.5 < inconclusive < 0.7, PMID: 27666373). To our knowledge, functional studies have not been reported for this variant. This variant has not been reported in individuals affected with tuberous sclerosis complex in the literature. This variant has been identified in 6/216518 chromosomes in the general population by the Genome Aggregation Database (gnomAD). The available evidence is insufficient to determine the role of this variant in disease conclusively. Therefore, this variant is classified as a Variant of Uncertain Significance.

This study involves interpretation of variants in research participants for the purpose of population health screening. Participant phenotype was not available at the time of variant classification. Additional details can be found in publication PMID: 35346344, PMCID: PMC8962531

Ambry Genetics
Classification: Likely benign for Hereditary cancer-predisposing syndrome. Last evaluated: 2023-04-25. Review status: criteria provided, single submitter. Criteria: Ambry Variant Classification Scheme 2023. Collection method: clinical testing. Allele origin: germline.

Mayo Clinic Laboratories, Mayo Clinic
Classification: Uncertain significance. Last evaluated: 2022-09-30. Review status: criteria provided, single submitter. Criteria: ACMG Guidelines, 2015. Collection method: clinical testing. Allele origin: germline. Observed: 1 variant allele.

Genome-Nilou Lab
Classification: Likely benign for Tuberous sclerosis 2. Last evaluated: 2021-11-07. Review status: criteria provided, single submitter. Criteria: ACMG Guidelines, 2015. Collection method: clinical testing. Allele origin: germline. Affected: no.

GeneDx
Classification: Likely benign. Last evaluated: 2021-04-23. Review status: criteria provided, single submitter. Criteria: GeneDx Variant Classification Process June 2021. Collection method: clinical testing. Allele origin: germline. Affected: yes.

NM_000548.5(TSC2):c.1987C>T (p.Leu663Phe)

Gene: TSC2 (TSC complex subunit 2; plus strand). Cytogenetic location: 16p13.3.
Variant type: single nucleotide variant.
Coding change: c.1987C>T on transcript NM_000548.5 (MANE Select); coding-DNA position 1987, C replaced by T.
Protein change: p.Leu663Phe; replaces leucine 663 with phenylalanine.
Molecular consequence: missense variant.
Genome position (GRCh38, 1-based): chr16:2,071,824, C>T. VCF-style: chr16-2071824-C-T. GRCh37 (hg19) VCF-style: chr16-2121825-C-T.
Other names: p.Leu663Phe; c.1987C>T, p.Leu663Phe (NM_001077183.3, NM_001114382.3, NM_001363528.2 and 3 more transcripts); c.1876C>T, p.Leu626Phe (NM_001318827.2); c.1840C>T, p.Leu614Phe (NM_001318829.2); c.1387C>T, p.Leu463Phe (NM_001318831.2); c.2020C>T, p.Leu674Phe (NM_001318832.2); short protein forms L663F, L674F, L463F, L626F, L614F.
Identifiers: ClinVar variation 467912 (VCV000467912.24), dbSNP rs747516623, ClinGen allele CA035428.